The following is an entry in ClinVar:

NM_000051.4(ATM):c.5329_5349dup (p.Val1777_Glu1783dup)

Gene: ATM (ATM serine/threonine kinase; plus strand). Cytogenetic location: 11q22.3.
Variant type: Duplication.
Coding change: c.5329_5349dup on transcript NM_000051.4 (MANE Select); coding-DNA positions 5329 to 5349, 21 bases duplicated (GTACCCAGATTTGACAAAGAA).
Protein change: p.Val1777_Glu1783dup.
Molecular consequence: inframe insertion.
Genome position (GRCh38, 1-based): chr11:108,302,862-108,302,882, GTACCCAGATTTGACAAAGAA duplicated; duplicating any 21 consecutive bases within chr11:108,302,858-108,302,882 gives the same sequence; the c. name uses the placement nearest the transcript's 3' end. VCF-style (leftmost placement, unchanged base first): chr11-108302857-T-TAGAAGTACCCAGATTTGACAA. GRCh37 (hg19) VCF-style: chr11-108173584-T-TAGAAGTACCCAGATTTGACAA.
Other names: c.5329_5349dup, p.Val1777_Glu1783dup (NM_001351834.2); c.5329_5349dupGTACCCAGATTTGACAAAGAA (NM_000051.3).
Identifiers: ClinVar variation 127406 (VCV000127406.1), dbSNP rs587779847, ClinGen allele CA286888.

ClinVar aggregate classification (germline): Uncertain significance (1 of 4 stars; one submission).

Conditions:
Hereditary cancer-predisposing syndrome. Also called: Hereditary Cancer Syndrome; Hereditary neoplastic syndrome; Tumor predisposition; Neoplastic Syndromes, Hereditary. Identifiers: Orphanet 140162, MedGen C0027672, MeSH D009386, MONDO:0015356.

Submission:

GeneDx
Classification: Uncertain significance for Neoplastic Syndromes, Hereditary. Last evaluated: 2014-01-17. Review status: criteria provided, single submitter. Criteria: GeneDx Variant Classification (06012015). Collection method: clinical testing. Allele origin: germline. Affected: yes.
Comment: This variant is denoted ATM c.5349_5350insGTACCCAGATTTGACAAAGAA (aka c.5329_5349dup) at the cDNA level and p.Val1777_Glu1783dup (V1777_E1783dup) at the protein level. The normal sequence with the bases that are inserted in brackets is AGAA{GTACCCAGATTTGACAAAGAA}AACC. This insertion of 21 base pairs in exon 36 causes an extension of the protein by 7 amino acids. This variant has not, to our knowledge, been published in the literature as either a mutation or a benign polymorphism. ATM Val1777_Glu1783dup was not observed in approximately 6,500 individuals of European and African American ancestry in the NHLBI Exome Variant Server, suggesting it is not a common benign variant in these populations. ATM Val1777_Glu1783dup occurs in a region which is only moderately conserved and is not located in a known functional domain. Multiple in silico algorithms predict that this variant has no affect on splicing. Based on the currently available information, it is unclear whether ATM Val1777_Glu1783dup is a pathogenic mutation or a rare benign variant. The variant is found in COLO-HEREDIC panel(s).